The following is an entry in ClinVar:

NM_032043.3(BRIP1):c.2012_2013insAAAT (p.Phe672fs)

Gene: BRIP1 (BRCA1 interacting DNA helicase 1; minus strand). Cytogenetic location: 17q23.2.
Variant type: Insertion.
Coding change: c.2012_2013insAAAT on transcript NM_032043.3 (MANE Select); coding-DNA positions 2012 to 2013, AAAT inserted.
Protein change: p.Phe672fs; shifts the reading frame from phenylalanine 672.
Molecular consequence: frameshift variant.
Genome position: GRCh38 VCF-style: chr17-61776485-C-CATTT. GRCh37 (hg19) VCF-style: chr17-59853846-C-CATTT.
Other names: short protein forms F672fs.
Identifiers: ClinVar variation 1419321 (VCV001419321.7), dbSNP rs2145030551, ClinGen allele CA2573154298.

ClinVar aggregate classification (germline): Pathogenic (1 of 4 stars; one submission).

Conditions:
Familial cancer of breast. Also called: hereditary breast carcinoma; BREAST CANCER, FAMILIAL; Hereditary breast cancer. Identifiers: Orphanet 227535, MedGen C0346153, MONDO:0016419, OMIM 114480. Disease mechanism: loss of function.
Fanconi anemia complementation group J. Also called: BRIP1-Related Fanconi Anemia. Identifiers: Orphanet 84, MedGen C1836860, MONDO:0012187, OMIM 609054.

Submission:

Labcorp Genetics (formerly Invitae), Labcorp
Classification: Pathogenic for Familial cancer of breast; Fanconi anemia complementation group J. Last evaluated: 2021-07-28. Review status: criteria provided, single submitter. Criteria: Invitae Variant Classification Sherloc (09022015). Collection method: clinical testing. Allele origin: germline.
Comment: For these reasons, this variant has been classified as Pathogenic. This variant has not been reported in the literature in individuals affected with BRIP1-related conditions. This variant is not present in population databases (ExAC no frequency). This sequence change creates a premature translational stop signal (p.Phe672Asnfs*5) in the BRIP1 gene. It is expected to result in an absent or disrupted protein product. Loss-of-function variants in BRIP1 are known to be pathogenic (PMID: 16116423, 17033622, 21964575).

Literature cited by the submitters: PubMed 16116423; PubMed 17033622; PubMed 21964575.